The following is an entry in ClinVar:

NM_018082.6(POLR3B):c.762G>A (p.Met254Ile)

Gene: POLR3B (RNA polymerase III subunit B; plus strand). Cytogenetic location: 12q23.3.
Variant type: single nucleotide variant.
Coding change: c.762G>A on transcript NM_018082.6 (MANE Select); coding-DNA position 762, G replaced by A.
Protein change: p.Met254Ile; replaces methionine 254 with isoleucine.
Molecular consequence: missense variant.
Genome position (GRCh38, 1-based): chr12:106,393,069, G>A. VCF-style: chr12-106393069-G-A. GRCh37 (hg19) VCF-style: chr12-106786847-G-A.
Other names: c.588G>A, p.Met196Ile (NM_001160708.2); short protein forms M196I, M254I.
Identifiers: ClinVar variation 3936012 (VCV003936012.2).
Genomic context (GRCh38, chr12:106,393,069, plus strand): 5'-CTATCTTTTCTTTCCTTCCTAGGCCATGGGTGTTGAGAGTGACCAGGAAATTGTGCAGAT[G>A]ATTGGAACAGAGGAGCACGTGATGGCTGCATTTGGGCCCAGTCTGGAAGAGTGCCAGAAA-3'
Protein context (NP_060552.4, residues 244-264): GVESDQEIVQ[Met254Ile]IGTEEHVMAA

ClinVar aggregate classification (germline): Uncertain significance. Review status: criteria provided, multiple submitters, no conflicts (2 of 4 stars). 2 submissions from 2 submitters: Uncertain significance (2). Last evaluated 2026-09-23.

Conditions:
POLR3B-related disorder. Also called: POLR3B-related condition; POLR3B-related disorders. Identifiers: MedGen CN378588, MONDO:0700277.
Inborn genetic diseases. Identifiers: MedGen C0950123, MeSH D030342.

gnomAD v4.1: 8 of 1,614,206 alleles (0.0005%); highest among the groups gnomAD compares: Non-Finnish European, 0.00068%; no homozygotes.

Submissions (2):

PreventionGenetics, part of Exact Sciences
Classification: Uncertain significance for POLR3B-related condition. Last evaluated: 2026-09-23. Review status: criteria provided, single submitter. Criteria: ACMG Guidelines, 2015. Collection method: clinical testing. Allele origin: germline.
Comment: The POLR3B c.762G>A variant is predicted to result in the amino acid substitution p.Met254Ile. To our knowledge, this variant has not been reported in the literature. This variant is reported in 0.00088% of alleles in individuals of European (non-Finnish) descent in gnomAD. At this time, the clinical significance of this variant is uncertain due to the absence of conclusive functional and genetic evidence.

Ambry Genetics
Classification: Uncertain significance for Inborn genetic diseases. Last evaluated: 2025-04-10. Review status: criteria provided, single submitter. Criteria: Ambry Variant Classification Scheme 2023. Collection method: clinical testing. Allele origin: germline.